The following is an entry in ClinVar:

ClinVar aggregate classification (germline): Uncertain significance. Review status: criteria provided, multiple submitters, no conflicts (2 of 4 stars). 2 submissions from 2 submitters: Uncertain significance (2). Last evaluated 2024-04-01.

Conditions:
Cenani-Lenz syndactyly syndrome. Also called: CENANI SYNDACTYLISM; SYNDACTYLY, TYPE VII. Identifiers: Orphanet 3258, MedGen C1859309, MONDO:0008931, OMIM 212780.
Sclerosteosis 2 (SOST2). Identifiers: Orphanet 3152, MedGen C3280402, MONDO:0013679, OMIM 614305.
Congenital myasthenic syndrome 17. Identifiers: Orphanet 590, MedGen C4225377, MONDO:0014578, OMIM 616304.

Allele frequency attached by ClinVar (database versions not stated): ExAC 0.00001; gnomAD 0.00001; gnomAD exomes 0.00001; TOPMed 0.00005.
gnomAD v4.1: 16 of 1,614,056 alleles (0.00099%); highest among the groups gnomAD compares: Admixed American, 0.0067%; no homozygotes.

Submissions (2):

Fulgent Genetics
Classification: Uncertain significance for Cenani-Lenz syndactyly syndrome; Sclerosteosis 2; Congenital myasthenic syndrome 17. Last evaluated: 2024-04-01. Review status: criteria provided, single submitter. Criteria: ACMG Guidelines, 2015. Collection method: clinical testing. Allele origin: germline.

Labcorp Genetics (formerly Invitae), Labcorp
Classification: Uncertain significance for Cenani-Lenz syndactyly syndrome; Sclerosteosis 2; Congenital myasthenic syndrome 17. Last evaluated: 2022-08-23. Review status: criteria provided, single submitter. Criteria: Invitae Variant Classification Sherloc (09022015). Collection method: clinical testing. Allele origin: germline.
Comment: This sequence change replaces arginine, which is basic and polar, with glutamine, which is neutral and polar, at codon 1498 of the LRP4 protein (p.Arg1498Gln). This variant is present in population databases (rs764079526, gnomAD 0.003%). This variant has not been reported in the literature in individuals affected with LRP4-related conditions. ClinVar contains an entry for this variant (Variation ID: 467789). Algorithms developed to predict the effect of missense changes on protein structure and function (SIFT, PolyPhen-2, Align-GVGD) all suggest that this variant is likely to be disruptive. In summary, the available evidence is currently insufficient to determine the role of this variant in disease. Therefore, it has been classified as a Variant of Uncertain Significance.

NM_002334.4(LRP4):c.4493G>A (p.Arg1498Gln)

Genes: LRP4 (LDL receptor related protein 4; minus strand), LRP4-AS1 (LRP4 antisense RNA 1; plus strand). Cytogenetic location: 11p11.2.
Variant type: single nucleotide variant.
Coding change: c.4493G>A on transcript NM_002334.4 (MANE Select); coding-DNA position 4493, G replaced by A.
Protein change: p.Arg1498Gln; replaces arginine 1498 with glutamine.
Molecular consequence: missense variant. On other transcripts: non-coding transcript variant (1).
Genome position (GRCh38, 1-based): chr11:46,873,190, C>T on the plus strand (G>A on the coding strand, the complement: LRP4 is on the minus strand). VCF-style: chr11-46873190-C-T. GRCh37 (hg19) VCF-style: chr11-46894741-C-T.
Other names: short protein forms R1498Q.
Identifiers: ClinVar variation 467789 (VCV000467789.6), dbSNP rs764079526, ClinGen allele CA5969320.